The following is an entry in ClinVar:

ClinVar aggregate classification (germline): Uncertain significance (1 of 4 stars; one submission).

Conditions:
SCAPER-related disorder. Also called: SCAPER-related condition.

Submission:

PreventionGenetics, part of Exact Sciences
Classification: Uncertain significance for SCAPER-related condition. Last evaluated: 2025-07-31. Review status: criteria provided, single submitter. Criteria: ACMG Guidelines, 2015. Collection method: clinical testing. Allele origin: germline.
Comment: The SCAPER c.2686A>G variant is predicted to result in the amino acid substitution p.Met896Val. To our knowledge, this variant has not been reported in the literature or in a large population database (gnomAD), indicating this variant is rare. At this time, the clinical significance of this variant is uncertain due to the absence of conclusive functional and genetic evidence.

NM_020843.4(SCAPER):c.2668A>G (p.Met890Val)

Gene: SCAPER (S-phase cyclin A associated protein in the ER; minus strand). Cytogenetic location: 15q24.3.
Variant type: single nucleotide variant.
Coding change: c.2668A>G on transcript NM_020843.4 (MANE Select); coding-DNA position 2668, A replaced by G.
Protein change: p.Met890Val; replaces methionine 890 with valine.
Molecular consequence: missense variant. On other transcripts: non-coding transcript variant (1).
Genome position (GRCh38, 1-based): chr15:76,621,807, T>C on the plus strand (A>G on the coding strand, the complement: SCAPER is on the minus strand). VCF-style: chr15-76621807-T-C. GRCh37 (hg19) VCF-style: chr15-76914148-T-C.
Other names: c.1930A>G, p.Met644Val (NM_001145923.2); c.2686A>G, p.Met896Val (NM_001353009.2); c.2266A>G, p.Met756Val (NM_001353010.2, NM_001353012.2); c.2284A>G, p.Met762Val (NM_001353011.2); short protein forms M890V, M896V, M756V, M762V, M644V.
Identifiers: ClinVar variation 4999228 (VCV004999228.1).